The following is an entry in ClinVar:

ClinVar aggregate classification (germline): Pathogenic. Review status: criteria provided, single submitter (1 of 4 stars). 3 submissions from 3 submitters: Pathogenic (1). 2 of the submissions do not count toward it. Last evaluated 2025-06-25.

Conditions:
Congenital contractures of the limbs and face, hypotonia, and developmental delay (CLIFAHDD). Identifiers: Orphanet 562528, MedGen C4225398, MONDO:0014556, OMIM 616266.

Allele frequency attached by ClinVar (database versions not stated): gnomAD exomes below 0.00001.
gnomAD v4.1: 1 of 1,594,356 alleles (0.000063%); highest among the groups gnomAD compares: Non-Finnish European, 0.000085%; no homozygotes.

Submissions (3):

Variantyx, Inc.
Classification: Pathogenic for Congenital contractures of the limbs and face, hypotonia, and developmental delay. Last evaluated: 2025-06-25. Review status: criteria provided, single submitter. Criteria: Variantyx Assertion Criteria 2022. Collection method: clinical testing. Allele origin: de novo. Inheritance: Autosomal dominant inheritance. Affected: yes.
Comment: This is a nonsynonymous variant in the NALCN gene (OMIM: 611549). Pathogenic variants in this gene have been associated with autosomal dominant congenital contractures of the limbs and face, hypotonia, and developmental delay. Functional studies have shown that this variant alters NALCN protein function (PMID: 27558372) (PS3) and multiple computational algorithms predict a deleterious effect for this variant (REVEL score: 0.882) (PP3). This variant has a 0.0003% maximum allele frequency in non-founder control populations (PM2). Based on the current evidence, this variant is classified as pathogenic for autosomal dominant congenital contractures of the limbs and face, hypotonia, and developmental delay.

University of Washington Center for Mendelian Genomics, University of Washington
Classification: Pathogenic for Congenital contractures of the limbs and face, hypotonia, and developmental delay. Last evaluated: 2015-05-19. Review status: no assertion criteria provided. Collection method: research. Allele origin: de novo. Affected: yes. Not counted in ClinVar's aggregate classification.

OMIM
Classification: Pathogenic for CONGENITAL CONTRACTURES OF THE LIMBS AND FACE, HYPOTONIA, AND DEVELOPMENTAL DELAY. Last evaluated: 2015-03-05. Review status: no assertion criteria provided. Collection method: literature only. Allele origin: germline. Not counted in ClinVar's aggregate classification.

Literature cited by the submitters: PubMed 25683120 (cited by 3 submitters); PubMed 31785789 (cited by Variantyx, Inc.); PubMed 33057194 (cited by Variantyx, Inc.); PubMed 35982159 (cited by Variantyx, Inc.); PubMed 27558372 (cited by Variantyx, Inc.).

NM_052867.4(NALCN):c.1768C>T (p.Leu590Phe)

Gene: NALCN (sodium leak channel, non-selective; minus strand). Cytogenetic location: 13q33.1.
Variant type: single nucleotide variant.
Coding change: c.1768C>T on transcript NM_052867.4 (MANE Select); coding-DNA position 1768, C replaced by T.
Protein change: p.Leu590Phe; replaces leucine 590 with phenylalanine.
Molecular consequence: missense variant.
Genome position (GRCh38, 1-based): chr13:101,176,371, G>A on the plus strand (C>T on the coding strand, the complement: NALCN is on the minus strand). VCF-style: chr13-101176371-G-A. GRCh37 (hg19) VCF-style: chr13-101828722-G-A.
Other names: c.1768C>T, p.Leu590Phe (NM_001350748.2, NM_001350749.2); c.1681C>T, p.Leu561Phe (NM_001350750.2, NM_001350751.2); short protein forms L590F, L561F.
Identifiers: ClinVar variation 187773 (VCV000187773.2), dbSNP rs786203986, ClinGen allele CA198512.